The following is an entry in ClinVar:

ClinVar aggregate classification (germline): Benign. Review status: criteria provided, multiple submitters, no conflicts (2 of 4 stars). 2 submissions from 2 submitters: Benign (2). Last evaluated 2021-05-15.

Conditions:
Sialic acid storage disease, severe infantile type (ISSD). Also called: INFANTILE SIALIC ACID STORAGE DISORDER; N-ACETYLNEURAMINIC ACID STORAGE DISEASE; NANA STORAGE DISEASE; SIALURIA, INFANTILE FORM; Infantile Sialic Acid Storage Disease; Free sialic acid storage disease, infantile form. Identifiers: Orphanet 309324, Orphanet 834, MedGen C1096902, MONDO:0010027, OMIM 269920.

Allele frequency attached by ClinVar (database versions not stated): 1000 Genomes Project 0.17252; 1000 Genomes Project 30x 0.17270; TOPMed 0.24150; gnomAD exomes 0.25094; gnomAD 0.25520 and 0.26106.
gnomAD v4.1: 59,865 of 235,922 alleles (25%); highest among the groups gnomAD compares: Non-Finnish European, 30%; 8,362 homozygotes.

Submissions (2):

GeneDx
Classification: Benign. Last evaluated: 2021-05-15. Review status: criteria provided, single submitter. Criteria: GeneDx Variant Classification Process June 2021. Collection method: clinical testing. Allele origin: germline. Affected: yes.

Illumina Laboratory Services, Illumina
Classification: Benign for Sialic acid storage disease, severe infantile type. Last evaluated: 2018-01-12. Review status: criteria provided, single submitter. Criteria: ICSL Variant Classification Criteria 13 December 2019. Collection method: clinical testing. Allele origin: germline.
Comment: This variant was observed in the ICSL laboratory as part of a predisposition screen in an ostensibly healthy population. It had not been previously curated by ICSL or reported in the Human Gene Mutation Database (HGMD: prior to June 1st, 2018), and was therefore a candidate for classification through an automated scoring system. Utilizing variant allele frequency, disease prevalence and penetrance estimates, and inheritance mode, an automated score was calculated to assess if this variant is too frequent to cause the disease. Based on the score and internal cut-off values, a variant classified as benign is not then subjected to further curation. The score for this variant resulted in a classification of benign for this disease.

NM_012434.5(SLC17A5):c.*385C>G

Gene: SLC17A5 (solute carrier family 17 member 5; minus strand). Cytogenetic location: 6q13.
Variant type: single nucleotide variant.
Coding change: c.*385C>G on transcript NM_012434.5 (MANE Select); 385 bases downstream of the stop codon, C replaced by G.
Molecular consequence: 3 prime UTR variant.
Genome position (GRCh38, 1-based): chr6:73,594,692, G>C on the plus strand (C>G on the coding strand, the complement: SLC17A5 is on the minus strand). VCF-style: chr6-73594692-G-C. GRCh37 (hg19) VCF-style: chr6-74304415-G-C.
Identifiers: ClinVar variation 357917 (VCV000357917.7), dbSNP rs3734518, ClinGen allele CA10627548.
Genomic context (GRCh38, chr6:73,594,692, plus strand): 5'-TCCACAGAGATGCTAAAGTTTGAGGTCTAAGTGTCAGAGAGAGCTGACAATTTTTATGAG[G>C]AAAGTGAACAACAACAGGTGTTTATCAGTACCTGAGAATTATCATCTAGTTTAATTAAGC-3'